The following is an entry in ClinVar:

NM_002291.3(LAMB1):c.4969G>A (p.Glu1657Lys)

Gene: LAMB1 (laminin subunit beta 1; minus strand). Cytogenetic location: 7q31.1.
Variant type: single nucleotide variant.
Coding change: c.4969G>A on transcript NM_002291.3 (MANE Select); coding-DNA position 4969, G replaced by A.
Protein change: p.Glu1657Lys; replaces glutamic acid 1657 with lysine.
Molecular consequence: missense variant.
Genome position (GRCh38, 1-based): chr7:107,926,278, C>T on the plus strand (G>A on the coding strand, the complement: LAMB1 is on the minus strand). VCF-style: chr7-107926278-C-T. GRCh37 (hg19) VCF-style: chr7-107566723-C-T.
Other names: c.4969G>A (NM_002291.2); short protein forms E1657K.
Identifiers: ClinVar variation 2163370 (VCV002163370.7), dbSNP rs554993741, ClinGen allele CA4434881.
Genomic context (GRCh38, chr7:107,926,278, plus strand): 5'-ATACTACTTTTTCAATATATTCTGCCTCCCCGGAGTTTTGGGCAGCTTTCCGCTTAAGTT[C>T]TTCCACATTCCTCTCTAACTCGCTGATGCGCTGGGACGCGTTGAACAAGGTTTCCTCAGA-3'
Protein context (NP_002282.2, residues 1647-1667): RISELERNVE[Glu1657Lys]LKRKAAQNSG

ClinVar aggregate classification (germline): Uncertain significance. Review status: criteria provided, multiple submitters, no conflicts (2 of 4 stars). 2 submissions from 2 submitters: Uncertain significance (2). Last evaluated 2025-11-03.

Conditions:
Inborn genetic diseases. Identifiers: MedGen C0950123, MeSH D030342.

Allele frequency attached by ClinVar (database versions not stated): ExAC 0.00003; gnomAD exomes 0.00003; gnomAD 0.00005; TOPMed 0.00009.
gnomAD v4.1: 60 of 1,613,850 alleles (0.0037%); highest among the groups gnomAD compares: Middle Eastern, 0.082%; no homozygotes.

Submissions (2):

Ambry Genetics
Classification: Uncertain significance for Inborn genetic diseases. Last evaluated: 2025-11-03. Review status: criteria provided, single submitter. Criteria: Ambry Variant Classification Scheme 2023. Collection method: clinical testing. Allele origin: germline.

Labcorp Genetics (formerly Invitae), Labcorp
Classification: Uncertain significance. Last evaluated: 2025-03-01. Review status: criteria provided, single submitter. Criteria: Invitae Variant Classification Sherloc (09022015). Collection method: clinical testing. Allele origin: germline.
Comment: This sequence change replaces glutamic acid, which is acidic and polar, with lysine, which is basic and polar, at codon 1657 of the LAMB1 protein (p.Glu1657Lys). This variant is present in population databases (rs554993741, gnomAD 0.01%). This variant has not been reported in the literature in individuals affected with LAMB1-related conditions. ClinVar contains an entry for this variant (Variation ID: 2163370). An algorithm developed to predict the effect of missense changes on protein structure and function (PolyPhen-2) suggests that this variant is likely to be tolerated. In summary, the available evidence is currently insufficient to determine the role of this variant in disease. Therefore, it has been classified as a Variant of Uncertain Significance.